The following is an entry in ClinVar:

NM_139125.4(MASP1):c.1395C>T (p.Ala465=)

Gene: MASP1 (MBL associated serine protease 1; minus strand). Cytogenetic location: 3q27.3.
Variant type: single nucleotide variant.
Coding change: c.1395C>T on transcript NM_139125.4 (MANE Select); coding-DNA position 1395, C replaced by T.
Protein change: p.Ala465=; no amino-acid change (alanine 465 retained).
Molecular consequence: synonymous variant. On other transcripts: non-coding transcript variant (1), intron variant (1).
Genome position (GRCh38, 1-based): chr3:187,236,476, G>A on the plus strand (C>T on the coding strand, the complement: MASP1 is on the minus strand). VCF-style: chr3-187236476-G-A. GRCh37 (hg19) VCF-style: chr3-186954264-G-A.
Other names: c.1303+5005C>T (NM_001879.6).
Identifiers: ClinVar variation 3050414 (VCV003050414.17), dbSNP rs376490839, ClinGen allele CA2749268.

ClinVar aggregate classification (germline): Likely benign. Review status: criteria provided, multiple submitters, no conflicts (2 of 4 stars). 3 submissions from 3 submitters: Likely benign (2). 1 of the submissions does not count toward it. Last evaluated 2024-10-30.

Conditions:
MASP1-related disorder. Also called: MASP1-related condition.

Allele frequency attached by ClinVar (database versions not stated): ESP Exome Variant Server 0.00015; ExAC 0.00024; gnomAD 0.00030; TOPMed 0.00048; gnomAD exomes 0.00065.
gnomAD v4.1: 985 of 1,613,898 alleles (0.061%); highest among the groups gnomAD compares: Non-Finnish European, 0.079%; no homozygotes.

Submissions (3):

Blueprint Genetics
Classification: Likely benign. Last evaluated: 2024-10-30. Review status: criteria provided, single submitter. Criteria: ACMG Guidelines, 2015. Collection method: clinical testing. Allele origin: germline.

CeGaT Center for Human Genetics Tuebingen
Classification: Likely benign. Last evaluated: 2024-09-01. Review status: criteria provided, single submitter. Criteria: CeGaT Center For Human Genetics Tuebingen Variant Classification Criteria Version 2. Collection method: clinical testing. Allele origin: germline. Affected: yes. Observed: 1 variant allele.
Comment: MASP1: BP4, BP7

PreventionGenetics, part of Exact Sciences
Classification: Likely benign for MASP1-related condition. Last evaluated: 2019-07-18. Review status: no assertion criteria provided. Collection method: clinical testing. Allele origin: germline. Not counted in ClinVar's aggregate classification.
Comment: This variant is classified as likely benign based on ACMG/AMP sequence variant interpretation guidelines (Richards et al. 2015 PMID: 25741868, with internal and published modifications).